The following is an entry in ClinVar:

ClinVar aggregate classification (germline): Uncertain significance (1 of 4 stars; one submission).

Allele frequency attached by ClinVar (database versions not stated): gnomAD exomes 0.00001; ExAC 0.00002.
gnomAD v4.1: 15 of 1,614,168 alleles (0.00093%); highest among the groups gnomAD compares: South Asian, 0.016%; 1 homozygote.

Submission:

Labcorp Genetics (formerly Invitae), Labcorp
Classification: Uncertain significance. Last evaluated: 2024-04-11. Review status: criteria provided, single submitter. Criteria: Invitae Variant Classification Sherloc (09022015). Collection method: clinical testing. Allele origin: germline.
Comment: This sequence change replaces glutamic acid, which is acidic and polar, with aspartic acid, which is acidic and polar, at codon 611 of the ANKZF1 protein (p.Glu611Asp). This variant is present in population databases (rs754029736, gnomAD 0.02%). This variant has not been reported in the literature in individuals affected with ANKZF1-related conditions. An algorithm developed to predict the effect of missense changes on protein structure and function (PolyPhen-2) suggests that this variant is likely to be disruptive. In summary, the available evidence is currently insufficient to determine the role of this variant in disease. Therefore, it has been classified as a Variant of Uncertain Significance.

NM_018089.3(ANKZF1):c.1833G>C (p.Glu611Asp)

Gene: ANKZF1 (ankyrin repeat and zinc finger peptidyl tRNA hydrolase 1; plus strand). Cytogenetic location: 2q35.
Variant type: single nucleotide variant.
Coding change: c.1833G>C on transcript NM_018089.3 (MANE Select); coding-DNA position 1833, G replaced by C.
Protein change: p.Glu611Asp; replaces glutamic acid 611 with aspartic acid.
Molecular consequence: missense variant.
Genome position (GRCh38, 1-based): chr2:219,235,737, G>C. VCF-style: chr2-219235737-G-C. GRCh37 (hg19) VCF-style: chr2-220100459-G-C.
Other names: c.1833G>C, p.Glu611Asp (NM_001042410.2); c.1203G>C, p.Glu401Asp (NM_001282792.2); short protein forms E401D, E611D.
Identifiers: ClinVar variation 2886697 (VCV002886697.3), dbSNP rs754029736, ClinGen allele CA2121203.